The following is an entry in ClinVar:

ClinVar aggregate classification (germline): Benign/Likely benign. Review status: criteria provided, multiple submitters, no conflicts (2 of 4 stars). 10 submissions from 5 submitters: Benign (5); Likely benign (5). Last evaluated 2026-01-27.

Conditions:
Scapuloperoneal spinal muscular atrophy (SPSMA). Also called: AMYOTROPHY, NEUROGENIC SCAPULOPERONEAL, NEW ENGLAND TYPE; Scapuloperoneal spinal muscular atrophy, autosomal dominant; Scapuloperoneal Spinal Muscular Atrophy, TRPV4-Related; Scapuloperoneal Form of Spinal Muscular Atrophy. Identifiers: Orphanet 431255, MedGen C0751335, MONDO:0008408, OMIM 181405.
Neuronopathy, distal hereditary motor, autosomal dominant 8. Also called: SPINAL MUSCULAR ATROPHY, CONGENITAL BENIGN, WITH CONTRACTURES; Autosomal dominant congenital benign spinal muscular atrophy; NEURONOPATHY, DISTAL HEREDITARY MOTOR, TYPE VIII; NEUROPATHY, DISTAL HEREDITARY MOTOR, TYPE VIII. Identifiers: Orphanet 1216, MedGen C1838492, MONDO:0010839, OMIM 600175.
Charcot-Marie-Tooth disease axonal type 2C (HMSN2C). Also called: Charcot-Marie-Tooth Disease Type 2, TRPV4-Related (CMT2C); CHARCOT-MARIE-TOOTH DISEASE, AXONAL, AUTOSOMAL DOMINANT, TYPE 2C; Charcot-Marie-Tooth Neuropathy Type 2C. Identifiers: Orphanet 99937, MedGen C1853710, MONDO:0011633, OMIM 606071.
Brachyrachia (short spine dysplasia) (BCYM3). Also called: Brachyolmia Type 3; Autosomal dominant brachyolmia; Brachyolmia, TRPV4-Related; BRACHYRACHIA. Identifiers: Orphanet 93304, MedGen C0432227, MONDO:0007232, OMIM 113500.
Spondylometaphyseal dysplasia, Kozlowski type (SMDK). Also called: Dysmorphism arthrogryposis skeletal maturation advanced; Jequier-Kozlowski syndrome; Skeletal dysplasia Jequier-Kozlowski type; SMD Kozlowski type; Spondylometaphyseal Dysplasia, TRPV4-Related (Kozlowski Type). Identifiers: Orphanet 93314, MedGen C0265280, MONDO:0008477, OMIM 184252.
Metatropic dysplasia (MTD). Also called: Metatropic dysplasia, nonlethal dominant; METATROPIC DWARFISM; Metatropic Dysplasia, TRPV4-Related. Identifiers: Orphanet 2635, MedGen C0265281, MONDO:0007986, OMIM 156530.
Charcot-Marie-Tooth disease. Also called: Charcot-Marie-Tooth Neuropathy; Charcot-Marie-Tooth Hereditary Neuropathy. Identifiers: Orphanet 166, MedGen C0007959, MONDO:0015626.

Allele frequency attached by ClinVar (database versions not stated): ESP Exome Variant Server 0.00015; gnomAD 0.00016; ExAC 0.00017; 1000 Genomes Project 30x 0.00016; 1000 Genomes Project 0.00020; TOPMed 0.00020.
gnomAD v4.1: 250 of 1,611,888 alleles (0.016%); highest among the groups gnomAD compares: Middle Eastern, 0.05%; 2 homozygotes.

Submissions (10):

Labcorp Genetics (formerly Invitae), Labcorp
Classification: Likely benign for Charcot-Marie-Tooth disease axonal type 2C. Last evaluated: 2026-01-27. Review status: criteria provided, single submitter. Criteria: Invitae Variant Classification Sherloc (09022015). Collection method: clinical testing. Allele origin: germline.

Blueprint Genetics
Classification: Likely benign. Last evaluated: 2024-11-25. Review status: criteria provided, single submitter. Criteria: ACMG Guidelines, 2015. Collection method: clinical testing. Allele origin: germline.

Illumina Laboratory Services, Illumina
Classification: Benign for Spondylometaphyseal dysplasia, Kozlowski type. Last evaluated: 2018-01-12. Review status: criteria provided, single submitter. Criteria: ICSL Variant Classification Criteria 13 December 2019. Collection method: clinical testing. Allele origin: germline.
Comment: This variant was observed in the ICSL laboratory as part of a predisposition screen in an ostensibly healthy population. It had not been previously curated by ICSL or reported in the Human Gene Mutation Database (HGMD: prior to June 1st, 2018), and was therefore a candidate for classification through an automated scoring system. Utilizing variant allele frequency, disease prevalence and penetrance estimates, and inheritance mode, an automated score was calculated to assess if this variant is too frequent to cause the disease. Based on the score and internal cut-off values, a variant classified as benign is not then subjected to further curation. The score for this variant resulted in a classification of benign for this disease.

Illumina Laboratory Services, Illumina
Classification: Benign for Brachyrachia (short spine dysplasia). Last evaluated: 2018-01-12. Review status: criteria provided, single submitter. Criteria: ICSL Variant Classification Criteria 13 December 2019. Collection method: clinical testing. Allele origin: germline.
Comment: the same text as in the submission from Illumina Laboratory Services, Illumina above.

Illumina Laboratory Services, Illumina
Classification: Benign for Neuronopathy, distal hereditary motor, autosomal dominant 8. Last evaluated: 2018-01-12. Review status: criteria provided, single submitter. Criteria: ICSL Variant Classification Criteria 13 December 2019. Collection method: clinical testing. Allele origin: germline.
Comment: the same text as in the submission from Illumina Laboratory Services, Illumina above.

Illumina Laboratory Services, Illumina
Classification: Benign for Scapuloperoneal spinal muscular atrophy. Last evaluated: 2018-01-12. Review status: criteria provided, single submitter. Criteria: ICSL Variant Classification Criteria 13 December 2019. Collection method: clinical testing. Allele origin: germline.
Comment: the same text as in the submission from Illumina Laboratory Services, Illumina above.

Illumina Laboratory Services, Illumina
Classification: Benign for Metatropic dysplasia. Last evaluated: 2018-01-12. Review status: criteria provided, single submitter. Criteria: ICSL Variant Classification Criteria 13 December 2019. Collection method: clinical testing. Allele origin: germline.
Comment: the same text as in the submission from Illumina Laboratory Services, Illumina above.

Illumina Laboratory Services, Illumina
Classification: Likely benign for Charcot-Marie-Tooth disease axonal type 2C. Last evaluated: 2018-01-12. Review status: criteria provided, single submitter. Criteria: ICSL Variant Classification Criteria 13 December 2019. Collection method: clinical testing. Allele origin: germline.
Comment: This variant was observed in the ICSL laboratory as part of a predisposition screen in an ostensibly healthy population. It had not been previously curated by ICSL or reported in the Human Gene Mutation Database (HGMD: prior to June 1st, 2018), and was therefore a candidate for classification through an automated scoring system. Utilizing variant allele frequency, disease prevalence and penetrance estimates, and inheritance mode, an automated score was calculated to assess if this variant is too frequent to cause the disease. Based on the score and internal cut-off values, a variant classified as likely benign is not then subjected to further curation. The score for this variant resulted in a classification of likely benign for this disease.

GeneDx
Classification: Likely benign. Last evaluated: 2017-04-07. Review status: criteria provided, single submitter. Criteria: GeneDx Variant Classification (06012015). Collection method: clinical testing. Allele origin: germline. Affected: yes.
Comment: This variant is considered likely benign or benign based on one or more of the following criteria: it is a conservative change, it occurs at a poorly conserved position in the protein, it is predicted to be benign by multiple in silico algorithms, and/or has population frequency not consistent with disease.

Molecular Genetics Laboratory, London Health Sciences Centre
Classification: Likely benign for Charcot-Marie-Tooth disease. Review status: criteria provided, single submitter. Criteria: ACMG Guidelines, 2015. Collection method: clinical testing. Allele origin: germline. Affected: yes.

NM_021625.5(TRPV4):c.1658+15C>T

Gene: TRPV4 (transient receptor potential cation channel subfamily V member 4; minus strand). Cytogenetic location: 12q24.11.
Variant type: single nucleotide variant.
Coding change: c.1658+15C>T on transcript NM_021625.5 (MANE Select); 15 bases into the intron after coding-DNA position 1658, C replaced by T.
Molecular consequence: intron variant.
Genome position (GRCh38, 1-based): chr12:109,793,512, G>A on the plus strand (C>T on the coding strand, the complement: TRPV4 is on the minus strand). VCF-style: chr12-109793512-G-A. GRCh37 (hg19) VCF-style: chr12-110231317-G-A.
Other names: c.1337+15C>T (NM_001177433.1); c.1517+15C>T (NM_001177428.1); c.1478+15C>T (NM_147204.2); c.1556+15C>T (NM_001177431.1).
Identifiers: ClinVar variation 380668 (VCV000380668.14), dbSNP rs200083069, ClinGen allele CA6780135.